The following is an entry in ClinVar:

NM_194277.3(FRMD7):c.1907T>C (p.Leu636Pro)

Gene: FRMD7 (FERM domain containing 7; minus strand). Cytogenetic location: Xq26.2.
Variant type: single nucleotide variant.
Coding change: c.1907T>C on transcript NM_194277.3 (MANE Select); coding-DNA position 1907, T replaced by C.
Protein change: p.Leu636Pro; replaces leucine 636 with proline.
Molecular consequence: missense variant.
Genome position (GRCh38, 1-based): chrX:132,078,110, A>G on the plus strand (T>C on the coding strand, the complement: FRMD7 is on the minus strand). VCF-style: chrX-132078110-A-G. GRCh37 (hg19) VCF-style: chrX-131212138-A-G.
Other names: c.1862T>C, p.Leu621Pro (NM_001306193.2); short protein forms L636P, L621P.
Identifiers: ClinVar variation 1954635 (VCV001954635.5), dbSNP rs764622962, ClinGen allele CA10518804.
Genomic context (GRCh38, chrX:132,078,110, plus strand): 5'-TCTGATTCAGAATCACTGGATTCACTAGCTACATACCTTTCTGCTGTACTTTGATCCATT[A>G]GAACTGCTGGCAACTCCTGCTCTGCAAACATATCCGTAAACAGGTCTGCTTTATGACTGA-3'
Protein context (NP_919253.1, residues 626-646): MFAEQELPAV[Leu636Pro]MDQSTAERYV

ClinVar aggregate classification (germline): Uncertain significance (1 of 4 stars; one submission).

Allele frequency attached by ClinVar (database versions not stated): gnomAD exomes below 0.00001; TOPMed below 0.00001; ExAC 0.00002.
gnomAD v4.1: 2 of 1,211,441 alleles (0.00017%); highest among the groups gnomAD compares: Admixed American, 0.0043%; no homozygotes.

Submission:

Labcorp Genetics (formerly Invitae), Labcorp
Classification: Uncertain significance. Last evaluated: 2023-01-18. Review status: criteria provided, single submitter. Criteria: Invitae Variant Classification Sherloc (09022015). Collection method: clinical testing. Allele origin: germline.
Comment: In summary, the available evidence is currently insufficient to determine the role of this variant in disease. Therefore, it has been classified as a Variant of Uncertain Significance. Algorithms developed to predict the effect of missense changes on protein structure and function output the following: SIFT: "Tolerated"; PolyPhen-2: "Benign"; Align-GVGD: "Class C0". The proline amino acid residue is found in multiple mammalian species, which suggests that this missense change does not adversely affect protein function. This variant has not been reported in the literature in individuals affected with FRMD7-related conditions. This variant is present in population databases (rs764622962, gnomAD 0.008%). This sequence change replaces leucine, which is neutral and non-polar, with proline, which is neutral and non-polar, at codon 636 of the FRMD7 protein (p.Leu636Pro).